The following is an entry in ClinVar:

NM_003680.4(YARS1):c.1353G>C (p.Gln451His)

Gene: YARS1 (tyrosyl-tRNA synthetase 1; minus strand). Cytogenetic location: 1p35.1.
Variant type: single nucleotide variant.
Coding change: c.1353G>C on transcript NM_003680.4 (MANE Select); coding-DNA position 1353, G replaced by C.
Protein change: p.Gln451His; replaces glutamine 451 with histidine.
Molecular consequence: missense variant.
Genome position (GRCh38, 1-based): chr1:32,779,505, C>G on the plus strand (G>C on the coding strand, the complement: YARS1 is on the minus strand). VCF-style: chr1-32779505-C-G. GRCh37 (hg19) VCF-style: chr1-33245106-C-G.
Other names: short protein forms Q451H.
Identifiers: ClinVar variation 2101367 (VCV002101367.3), dbSNP rs758809959, ClinGen allele CA744907.
Genomic context (GRCh38, chr1:32,779,505, plus strand): 5'-GCCCTTCACAAACACGTGCTCACCAGGAGCAGAGCCTGCCGGAGGGTCCAGAGGTTCAAC[C>G]TGGCGGTTTATCCCTTCTCTGGGAAGACACAGGACAAGAGAAGAGTGAGGCTATGGATGG-3'
Protein context (NP_003671.1, residues 441-461): LCASIEGINR[Gln451His]VEPLDPPAGS

ClinVar aggregate classification (germline): Uncertain significance (1 of 4 stars; one submission).

Conditions:
Charcot-Marie-Tooth disease dominant intermediate C (CMTDIC). Also called: CHARCOT-MARIE-TOOTH NEUROPATHY, DOMINANT INTERMEDIATE C. Identifiers: Orphanet 100045, MedGen C1842237, MONDO:0012012, OMIM 608323.

Allele frequency attached by ClinVar (database versions not stated): ExAC 0.00001; gnomAD exomes 0.00001.
gnomAD v4.1: 3 of 1,614,210 alleles (0.00019%); highest among the groups gnomAD compares: Admixed American, 0.005%; no homozygotes.

Submission:

Labcorp Genetics (formerly Invitae), Labcorp
Classification: Uncertain significance for Charcot-Marie-Tooth disease dominant intermediate C. Last evaluated: 2024-06-01. Review status: criteria provided, single submitter. Criteria: Invitae Variant Classification Sherloc (09022015). Collection method: clinical testing. Allele origin: germline.
Comment: This sequence change replaces glutamine, which is neutral and polar, with histidine, which is basic and polar, at codon 451 of the YARS protein (p.Gln451His). This variant is present in population databases (rs758809959, gnomAD 0.009%). This variant has not been reported in the literature in individuals affected with YARS-related conditions. ClinVar contains an entry for this variant (Variation ID: 2101367). Advanced modeling of protein sequence and biophysical properties (such as structural, functional, and spatial information, amino acid conservation, physicochemical variation, residue mobility, and thermodynamic stability) performed at Invitae indicates that this missense variant is not expected to disrupt YARS protein function with a negative predictive value of 80%. In summary, the available evidence is currently insufficient to determine the role of this variant in disease. Therefore, it has been classified as a Variant of Uncertain Significance.